The following is an entry in ClinVar:

NM_007294.4(BRCA1):c.134+9G>T

Gene: BRCA1 (BRCA1 DNA repair associated; minus strand). Cytogenetic location: 17q21.31.
Variant type: single nucleotide variant.
Coding change: c.134+9G>T on transcript NM_007294.4 (MANE Select); 9 bases into the intron after coding-DNA position 134, G replaced by T.
Molecular consequence: intron variant.
Genome position (GRCh38, 1-based): chr17:43,115,717, C>A on the plus strand (G>T on the coding strand, the complement: BRCA1 is on the minus strand). VCF-style: chr17-43115717-C-A. GRCh37 (hg19) VCF-style: chr17-41267734-C-A.
Other names: c.134+9G>T (NM_001408401.1, NM_001408396.1, NM_001407985.1 and 191 more transcripts); c.-171+9G>T (NM_001408492.1, NM_001407889.1, NM_001407900.1); c.-124+9G>T (NM_001408468.1, NM_001407842.1, NM_001407749.1 and 13 more transcripts); c.-128+9G>T (NM_001407695.1, NM_001408465.1); c.-8+9G>T (NM_001407846.1, NM_001408503.1, NM_001407943.1 and 47 more transcripts); c.-8+5841G>T (NM_001407726.1, NM_001407751.1); c.-55+9G>T (NM_001408513.1, NM_001407899.1, NM_001408507.1 and 52 more transcripts); c.-219+9554G>T (NM_001407966.1); and 10 more.
Identifiers: ClinVar variation 865157 (VCV000865157.3), dbSNP rs1555599187, ClinGen allele CA916080988.

Conditions:
Breast-ovarian cancer, familial, susceptibility to, 1 (BROVCA1). Also called: BRCA1 Hereditary Breast and Ovarian Cancer; OVARIAN CANCER, SUSCEPTIBILITY TO. Identifiers: Orphanet 145, MedGen C2676676, MONDO:0011450, OMIM 604370. Disease mechanism: loss of function.

Submission:

Brotman Baty Institute, University of Washington
No classification provided (evidence only). Condition: Breast-ovarian cancer, familial 1. Review status: no classification provided. Collection method: in vitro. Allele origin: not applicable. Functional consequence: functionally_normal.
ClinVar note: "not provided" was previously submitted as the classification for the variant. However, the classification appeared to be based only on an observation of functional data so it was converted to no classification on 2025-07-30.